The following is an entry in ClinVar:

ClinVar aggregate classification (germline): Pathogenic (1 of 4 stars; one submission).

Conditions:
Gorlin syndrome. Also called: Basal cell nevus syndrome; Nevoid Basal Cell Carcinoma Syndrome. Identifiers: Orphanet 377, MedGen C0004779, MONDO:0007187.

Submission:

Labcorp Genetics (formerly Invitae), Labcorp
Classification: Pathogenic for Gorlin syndrome. Last evaluated: 2024-10-09. Review status: criteria provided, single submitter. Criteria: Invitae Variant Classification Sherloc (09022015). Collection method: clinical testing. Allele origin: germline.
Comment: This sequence change creates a premature translational stop signal (p.Tyr291*) in the PTCH1 gene. It is expected to result in an absent or disrupted protein product. Loss-of-function variants in PTCH1 are known to be pathogenic (PMID: 16301862, 16419085). This variant is not present in population databases (gnomAD no frequency). This premature translational stop signal has been observed in individual(s) with basal cell nevus syndrome (PMID: 24204797). For these reasons, this variant has been classified as Pathogenic.

Literature cited by the submitters: PubMed 16301862; PubMed 16419085; PubMed 24204797.

NM_000264.5(PTCH1):c.873C>A (p.Tyr291Ter)

Gene: PTCH1 (patched 1; minus strand). Cytogenetic location: 9q22.32.
Variant type: single nucleotide variant.
Coding change: c.873C>A on transcript NM_000264.5 (MANE Select); coding-DNA position 873, C replaced by A.
Protein change: p.Tyr291Ter; replaces tyrosine 291 with a stop codon.
Molecular consequence: nonsense. On other transcripts: non-coding transcript variant (1).
Genome position (GRCh38, 1-based): chr9:95,480,462, G>T on the plus strand (C>A on the coding strand, the complement: PTCH1 is on the minus strand). VCF-style: chr9-95480462-G-T. GRCh37 (hg19) VCF-style: chr9-98242744-G-T.
Other names: c.675C>A, p.Tyr225Ter (NM_001083602.3); c.870C>A, p.Tyr290Ter (NM_001083603.3); c.420C>A, p.Tyr140Ter (NM_001083604.3, NM_001083605.3, NM_001083606.3 and 1 more transcripts); c.873C>A, p.Tyr291Ter (NM_001354918.2); short protein forms Y225*, Y290*, Y291*, Y140*.
Identifiers: ClinVar variation 3722495 (VCV003722495.2).
Genomic context (GRCh38, chr9:95,480,462, plus strand): 5'-TTTGTTGGGGGCTGTGGCGGGGCAGTCTGGATCGGCCGGATTGAGGCAGGGGCGGTCCAT[G>T]TAACCATGACCAACCTCAGCCTTATTCAGCATTTCCTCCCAGCTGTCCACTTGATAGTTT-3'